The following is an entry in ClinVar:

ClinVar aggregate classification (germline): Uncertain significance (1 of 4 stars; one submission).

Conditions:
Inborn genetic diseases. Identifiers: MedGen C0950123, MeSH D030342.

Submission:

Ambry Genetics
Classification: Uncertain significance for Inborn genetic diseases. Last evaluated: 2024-01-24. Review status: criteria provided, single submitter. Criteria: Ambry Variant Classification Scheme 2023. Collection method: clinical testing. Allele origin: germline.
Comment: The p.S2460C variant (also known as c.7379C>G), located in coding exon 44 of the ATR gene, results from a C to G substitution at nucleotide position 7379. The serine at codon 2460 is replaced by cysteine, an amino acid with dissimilar properties. This amino acid position is conserved. In addition, this alteration is predicted to be deleterious by in silico analysis. Since supporting evidence is limited at this time, the clinical significance of this alteration remains unclear.

NM_001184.4(ATR):c.7379C>G (p.Ser2460Cys)

Gene: ATR (ATR checkpoint kinase; minus strand). Cytogenetic location: 3q23.
Variant type: single nucleotide variant.
Coding change: c.7379C>G on transcript NM_001184.4 (MANE Select); coding-DNA position 7379, C replaced by G.
Protein change: p.Ser2460Cys; replaces serine 2460 with cysteine.
Molecular consequence: missense variant.
Genome position (GRCh38, 1-based): chr3:142,459,082, G>C on the plus strand (C>G on the coding strand, the complement: ATR is on the minus strand). VCF-style: chr3-142459082-G-C. GRCh37 (hg19) VCF-style: chr3-142177924-G-C.
Other names: c.7187C>G, p.Ser2396Cys (NM_001354579.2); short protein forms S2460C, S2396C.
Identifiers: ClinVar variation 1758594 (VCV001758594.2), dbSNP rs2108260538, ClinGen allele CA354796273.